The following is an entry in ClinVar:

NM_138694.4(PKHD1):c.2280-6C>G

Gene: PKHD1 (PKHD1 ciliary IPT domain containing fibrocystin/polyductin; minus strand). Cytogenetic location: 6p12.2.
Variant type: single nucleotide variant.
Coding change: c.2280-6C>G on transcript NM_138694.4 (MANE Select); 6 bases into the intron before coding-DNA position 2280, C replaced by G.
Molecular consequence: intron variant.
Genome position (GRCh38, 1-based): chr6:52,048,625, G>C on the plus strand (C>G on the coding strand, the complement: PKHD1 is on the minus strand). VCF-style: chr6-52048625-G-C. GRCh37 (hg19) VCF-style: chr6-51913423-G-C.
Other names: c.2280-6C>G (NM_170724.3).
Identifiers: ClinVar variation 2635165 (VCV002635165.1), dbSNP rs1175203234, ClinGen allele CA2695198881.

ClinVar aggregate classification (germline): Uncertain significance (1 of 4 stars; one submission).

Conditions:
PKHD1-related disorder. Also called: PKHD1-related condition.

Submission:

PreventionGenetics, part of Exact Sciences
Classification: Uncertain significance for PKHD1-related condition. Last evaluated: 2022-11-04. Review status: criteria provided, single submitter. Criteria: ACMG Guidelines, 2015. Collection method: clinical testing. Allele origin: germline.
Comment: The PKHD1 c.2280-6C>G variant is predicted to interfere with splicing. To our knowledge, this variant has not been reported in the literature or in a large population database, indicating this variant is rare. At this time, the clinical significance of this variant is uncertain due to the absence of conclusive functional and genetic evidence.